The following is an entry in ClinVar:

ClinVar aggregate classification (germline): Likely pathogenic (1 of 4 stars; one submission).

Conditions:
Landau-Kleffner syndrome (FESD). Also called: EPILEPSY, FOCAL, WITH SPEECH DISORDER AND WITH OR WITHOUT MENTAL RETARDATION; APHASIA, ACQUIRED, WITH EPILEPSY. Identifiers: Orphanet 1945, Orphanet 725, Orphanet 98818, MedGen C0282512, MONDO:0009509, OMIM 245570.

Allele frequency attached by ClinVar (database versions not stated): gnomAD exomes below 0.00001.
gnomAD v4.1: 1 of 1,613,908 alleles (0.000062%); highest among the groups gnomAD compares: Non-Finnish European, 0.000085%; no homozygotes.

Submission:

Labcorp Genetics (formerly Invitae), Labcorp
Classification: Likely pathogenic for Landau-Kleffner syndrome. Last evaluated: 2024-01-03. Review status: criteria provided, single submitter. Criteria: Invitae Variant Classification Sherloc (09022015). Collection method: clinical testing. Allele origin: germline.
Comment: This sequence change replaces serine, which is neutral and polar, with cysteine, which is neutral and slightly polar, at codon 1356 of the GRIN2A protein (p.Ser1356Cys). This variant is not present in population databases (gnomAD no frequency). This missense change has been observed in individual(s) with GRIN2A-related conditions (Invitae). In at least one individual the variant was observed to be de novo. Advanced modeling of protein sequence and biophysical properties (such as structural, functional, and spatial information, amino acid conservation, physicochemical variation, residue mobility, and thermodynamic stability) has been performed at Invitae for this missense variant, however the output from this modeling did not meet the statistical confidence thresholds required to predict the impact of this variant on GRIN2A protein function. In summary, the currently available evidence indicates that the variant is pathogenic, but additional data are needed to prove that conclusively. Therefore, this variant has been classified as Likely Pathogenic.

NM_001134407.3(GRIN2A):c.4067C>G (p.Ser1356Cys)

Gene: GRIN2A (glutamate ionotropic receptor NMDA type subunit 2A; minus strand). Cytogenetic location: 16p13.2.
Variant type: single nucleotide variant.
Coding change: c.4067C>G on transcript NM_001134407.3 (MANE Select); coding-DNA position 4067, C replaced by G.
Protein change: p.Ser1356Cys; replaces serine 1356 with cysteine.
Molecular consequence: missense variant. On other transcripts: intron variant (1).
Genome position (GRCh38, 1-based): chr16:9,763,477, G>C on the plus strand (C>G on the coding strand, the complement: GRIN2A is on the minus strand). VCF-style: chr16-9763477-G-C. GRCh37 (hg19) VCF-style: chr16-9857334-G-C.
Other names: c.4067C>G, p.Ser1356Cys (NM_000833.5); c.3773-49C>G (NM_001134408.2); short protein forms S1356C.
Identifiers: ClinVar variation 2772634 (VCV002772634.3), dbSNP rs2141126974, ClinGen allele CA394706171.
Genomic context (GRCh38, chr16:9,763,477, plus strand): 5'-CGTTGGTCATCCCTGTGGGAGTGGAGGAAAGGGTTATCGGAGGTGTGGTCTGGCAAGAGA[G>C]ACTTGCTCCTCTTGCTGTCCTCCAGACCTTGGGGGAAAAGGGAGCTTTTTTTCCCCGAGA-3'
Protein context (NP_001127879.1, residues 1346-1366): QGLEDSKRSK[Ser1356Cys]LLPDHTSDNP